The following is an entry in ClinVar:

ClinVar aggregate classification (germline): Uncertain significance (1 of 4 stars; one submission).

Conditions:
Hereditary cancer-predisposing syndrome. Also called: Tumor predisposition; Neoplastic Syndromes, Hereditary; Hereditary neoplastic syndrome; Hereditary Cancer Syndrome. Identifiers: Orphanet 140162, MedGen C0027672, MeSH D009386, MONDO:0015356.

Submission:

Ambry Genetics
Classification: Uncertain significance for Hereditary cancer-predisposing syndrome. Last evaluated: 2024-11-03. Review status: criteria provided, single submitter. Criteria: Ambry Variant Classification Scheme 2023. Collection method: clinical testing. Allele origin: germline.
Comment: The p.G1408R variant (also known as c.4222G>C), located in coding exon 33 of the TSC2 gene, results from a G to C substitution at nucleotide position 4222. The glycine at codon 1408 is replaced by arginine, an amino acid with dissimilar properties. This amino acid position is conserved. In addition, the in silico prediction for this alteration is inconclusive. Based on the available evidence, the clinical significance of this variant remains unclear.

NM_000548.5(TSC2):c.4222G>C (p.Gly1408Arg)

Gene: TSC2 (TSC complex subunit 2; plus strand). Cytogenetic location: 16p13.3.
Variant type: single nucleotide variant.
Coding change: c.4222G>C on transcript NM_000548.5 (MANE Select); coding-DNA position 4222, G replaced by C.
Protein change: p.Gly1408Arg; replaces glycine 1408 with arginine.
Molecular consequence: missense variant. On other transcripts: non-coding transcript variant (5).
Genome position (GRCh38, 1-based): chr16:2,084,444, G>C. VCF-style: chr16-2084444-G-C. GRCh37 (hg19) VCF-style: chr16-2134445-G-C.
Other names: c.4021G>C, p.Gly1341Arg (NM_001077183.3); c.4153G>C, p.Gly1385Arg (NM_001114382.3); c.3913G>C, p.Gly1305Arg (NM_001318827.2); c.3877G>C, p.Gly1293Arg (NM_001318829.2); c.3490G>C, p.Gly1164Arg (NM_001318831.2); c.4054G>C, p.Gly1352Arg (NM_001318832.2); c.4024G>C, p.Gly1342Arg (NM_001363528.2); c.4090G>C, p.Gly1364Arg (NM_001370404.1); and 26 more; short protein forms G1141R, G1164R, G1188R, G1292R, G1293R, G1342R, G1348R, G1372R.
Identifiers: ClinVar variation 3462663 (VCV003462663.1).